The following is an entry in ClinVar:

ClinVar aggregate classification (germline): Pathogenic (0 of 4 stars; one submission).

Conditions:
Pyruvate dehydrogenase E1-alpha deficiency (PDHAD). Also called: ATAXIA, INTERMITTENT, WITH PYRUVATE DEHYDROGENASE DEFICIENCY; ATAXIA WITH LACTIC ACIDOSIS I; ATAXIA, INTERMITTENT, WITH ABNORMAL PYRUVATE METABOLISM; Ataxia, intermittent, with pyruvate dehydrogenase, or decarboxylase, deficiency. Identifiers: Orphanet 79243, MedGen C1839413, MONDO:0010717, OMIM 312170.

Submission:

PDHA1 Study Group, University Children’s Hospital, Paracelsus Medical University
Classification: Pathogenic for Pyruvate dehydrogenase E1-alpha deficiency. Last evaluated: 2024-10-15. Review status: no assertion criteria provided. Collection method: research. Allele origin: germline. Affected: yes. Observed: 2 variant alleles.
Comment: The NM_000284.3:c.968_980dup (p.Ser327ArgfsTer17) change is a frameshift variant in PDHA1 gene. This variant is predicted to escape nonsense-mediated decay (NMD). In total, 2 individuals were diagnosed with PDHA1-related Pyruvate dehydrogenase complex (PDHc) deficiency (MIM #312170). The variant has been reported in 1 published case (PMIDs: 7887409). Last literature search: July 12, 2024. This variant is absent or extremely rare in population-based cohorts in the Genome Aggregation Database (gnomAD). Individuals harboring this variant presented with clinical features compatible with PDHA1-related PDHc deficiency. In summary, this variant meets criteria to be classified as pathogenic (P) for PDHA1-related PDHc deficiency based on the ACMG/AMP criteria applied: PVS1, PS3, PM2, PM7 (last assessment October 15, 2024).

Literature cited by the submitters: PubMed 7887409; DOI 10.1093/brain/awaf430.

NM_000284.4(PDHA1):c.968_980dup (p.Ser327fs)

Gene: PDHA1 (pyruvate dehydrogenase E1 subunit alpha 1; plus strand). Cytogenetic location: Xp22.12.
Variant type: Duplication.
Coding change: c.968_980dup on transcript NM_000284.4 (MANE Select); coding-DNA positions 968 to 980, 13 bases duplicated (GGATGGTGAACAG).
Protein change: p.Ser327fs; shifts the reading frame from serine 327.
Molecular consequence: frameshift variant.
Genome position (GRCh38, 1-based): chrX:19,358,984-19,358,996, GGATGGTGAACAG duplicated. VCF-style (leftmost placement, unchanged base first): chrX-19358983-A-AGGATGGTGAACAG. GRCh37 (hg19) VCF-style: chrX-19377101-A-AGGATGGTGAACAG.
Other names: c.1082_1094dup, p.Ser365fs (NM_001173454.2); c.989_1001dup, p.Ser334fs (NM_001173455.2); c.875_887dup, p.Ser296fs (NM_001173456.2); short protein forms S296fs, S327fs, S334fs, S365fs.
Identifiers: ClinVar variation 4070515 (VCV004070515.1).